The following is an entry in ClinVar:

ClinVar aggregate classification (germline): Uncertain significance. Review status: criteria provided, multiple submitters, no conflicts (2 of 4 stars). 2 submissions from 2 submitters: Uncertain significance (2). Last evaluated 2023-11-18.

Allele frequency attached by ClinVar (database versions not stated): gnomAD 0.00001; TOPMed 0.00001; gnomAD exomes 0.00002.
gnomAD v4.1: 25 of 1,551,132 alleles (0.0016%); highest among the groups gnomAD compares: Admixed American, 0.0039%; no homozygotes.

Submissions (2):

Labcorp Genetics (formerly Invitae), Labcorp
Classification: Uncertain significance. Last evaluated: 2023-11-18. Review status: criteria provided, single submitter. Criteria: Invitae Variant Classification Sherloc (09022015). Collection method: clinical testing. Allele origin: germline.
Comment: This sequence change replaces alanine, which is neutral and non-polar, with threonine, which is neutral and polar, at codon 1171 of the GREB1L protein (p.Ala1171Thr). This variant is present in population databases (no rsID available, gnomAD 0.008%). This variant has not been reported in the literature in individuals affected with GREB1L-related conditions. ClinVar contains an entry for this variant (Variation ID: 2505207). Algorithms developed to predict the effect of missense changes on protein structure and function output the following: SIFT: "Not Available"; PolyPhen-2: "Benign"; Align-GVGD: "Not Available". The threonine amino acid residue is found in multiple mammalian species, which suggests that this missense change does not adversely affect protein function. In summary, the available evidence is currently insufficient to determine the role of this variant in disease. Therefore, it has been classified as a Variant of Uncertain Significance.

Greenwood Genetic Center Diagnostic Laboratories, Greenwood Genetic Center
Classification: Uncertain significance. Last evaluated: 2023-03-10. Review status: criteria provided, single submitter. Criteria: ACMG Guidelines, 2015. Collection method: clinical testing. Allele origin: germline. Affected: yes.
Comment: PM2, BP4, PP2

NM_001142966.3(GREB1L):c.3511G>A (p.Ala1171Thr)

Gene: GREB1L (GREB1 like retinoic acid receptor coactivator; plus strand). Cytogenetic location: 18q11.1.
Variant type: single nucleotide variant.
Coding change: c.3511G>A on transcript NM_001142966.3 (MANE Select); coding-DNA position 3511, G replaced by A.
Protein change: p.Ala1171Thr; replaces alanine 1171 with threonine.
Molecular consequence: missense variant.
Genome position (GRCh38, 1-based): chr18:21,499,848, G>A. VCF-style: chr18-21499848-G-A. GRCh37 (hg19) VCF-style: chr18-19079809-G-A.
Other names: c.3640G>A, p.Ala1214Thr (NM_001410867.1); c.3184G>A, p.Ala1062Thr (NM_001410868.1); short protein forms A1062T, A1171T, A1214T.
Identifiers: ClinVar variation 2505207 (VCV002505207.4), dbSNP rs1002040325, ClinGen allele CA296944911.